The following is an entry in ClinVar:

NM_004082.5(DCTN1):c.3701C>T (p.Ala1234Val)

Gene: DCTN1 (dynactin subunit 1; minus strand). Cytogenetic location: 2p13.1.
Variant type: single nucleotide variant.
Coding change: c.3701C>T on transcript NM_004082.5 (MANE Select); coding-DNA position 3701, C replaced by T.
Protein change: p.Ala1234Val; replaces alanine 1234 with valine.
Molecular consequence: missense variant. On other transcripts: non-coding transcript variant (1).
Genome position (GRCh38, 1-based): chr2:74,361,635, G>A on the plus strand (C>T on the coding strand, the complement: DCTN1 is on the minus strand). VCF-style: chr2-74361635-G-A. GRCh37 (hg19) VCF-style: chr2-74588762-G-A.
Other names: c.3626C>T, p.Ala1209Val (NM_001135040.3); c.3284C>T, p.Ala1095Val (NM_001135041.3); c.3575C>T, p.Ala1192Val (NM_001190836.2); c.3680C>T, p.Ala1227Val (NM_001190837.2); c.3650C>T, p.Ala1217Val (NM_001378991.1); c.3632C>T, p.Ala1211Val (NM_001378992.1); c.3299C>T, p.Ala1100Val (NM_023019.4); short protein forms A1095V, A1100V, A1192V, A1209V, A1211V, A1217V, A1227V, A1234V.
Identifiers: ClinVar variation 1009073 (VCV001009073.9), dbSNP rs1200946425, ClinGen allele CA347334682.

ClinVar aggregate classification (germline): Uncertain significance (1 of 4 stars; one submission).

Conditions:
Perry syndrome. Also called: PARKINSONISM WITH ALVEOLAR HYPOVENTILATION AND MENTAL DEPRESSION. Identifiers: Orphanet 178509, MedGen C1868594, MONDO:0008201, OMIM 168605.
Neuronopathy, distal hereditary motor, type 7B. Also called: Distal Hereditary Motor Neuronopathy Type 7B (dHMN7B); NEURONOPATHY, DISTAL HEREDITARY MOTOR, AUTOSOMAL DOMINANT 14; NEURONOPATHY, DISTAL HEREDITARY MOTOR, HARDING TYPE VIIB; NEUROPATHY, DISTAL HEREDITARY MOTOR, HARDING TYPE VIIB; NEUROPATHY, DISTAL HEREDITARY MOTOR, WITH VOCAL CORD PARALYSIS, HARDING TYPE VIIB; HMN VIIB. Identifiers: Orphanet 139589, MedGen C1843315, MONDO:0011879, OMIM 607641.
Amyotrophic lateral sclerosis type 1 (ALS1). Also called: AMYOTROPHIC LATERAL SCLEROSIS 1, FAMILIAL. Identifiers: Orphanet 803, MedGen C1862939, MONDO:0007103, OMIM 105400.

Allele frequency attached by ClinVar (database versions not stated): gnomAD exomes below 0.00001.
gnomAD v4.1: 2 of 1,614,100 alleles (0.00012%); highest among the groups gnomAD compares: South Asian, 0.0011%; no homozygotes.

Submission:

Labcorp Genetics (formerly Invitae), Labcorp
Classification: Uncertain significance for Amyotrophic lateral sclerosis type 1; Neuronopathy, distal hereditary motor, type 7B; Perry syndrome. Last evaluated: 2024-02-24. Review status: criteria provided, single submitter. Criteria: Invitae Variant Classification Sherloc (09022015). Collection method: clinical testing. Allele origin: germline.
Comment: This sequence change replaces alanine, which is neutral and non-polar, with valine, which is neutral and non-polar, at codon 1234 of the DCTN1 protein (p.Ala1234Val). This variant is present in population databases (no rsID available, gnomAD 0.003%). This missense change has been observed in individual(s) with amyotrophic lateral sclerosis (PMID: 35896380). This variant is also known as c.3575C>T (p.A1192V). ClinVar contains an entry for this variant (Variation ID: 1009073). An algorithm developed to predict the effect of missense changes on protein structure and function (PolyPhen-2) suggests that this variant is likely to be tolerated. In summary, the available evidence is currently insufficient to determine the role of this variant in disease. Therefore, it has been classified as a Variant of Uncertain Significance.

Literature cited by the submitters: PubMed 35896380.